The following is an entry in ClinVar:

ClinVar aggregate classification (germline): Uncertain significance (1 of 4 stars; one submission).

Submission:

GeneDx
Classification: Uncertain significance. Last evaluated: 2023-06-07. Review status: criteria provided, single submitter. Criteria: GeneDx Variant Classification Process June 2021. Collection method: clinical testing. Allele origin: germline. Affected: yes.
Comment: Not observed at significant frequency in large population cohorts (gnomAD); In silico analysis supports that this missense variant does not alter protein structure/function; Has not been previously published as pathogenic or benign to our knowledge; Reported using an alternate transcript of the gene

NM_145239.3(PRRT2):c.1012+54G>A

Genes: MVP-DT (MVP divergent transcript; minus strand), PRRT2 (proline rich transmembrane protein 2; plus strand). Cytogenetic location: 16p11.2.
Variant type: single nucleotide variant.
Coding change: c.1012+54G>A on transcript NM_145239.3 (MANE Select); 54 bases into the intron after coding-DNA position 1012, G replaced by A.
Molecular consequence: intron variant. On other transcripts: missense variant (1), 3 prime UTR variant (1).
Genome position (GRCh38, 1-based): chr16:29,814,519, G>A. VCF-style: chr16-29814519-G-A. GRCh37 (hg19) VCF-style: chr16-29825840-G-A.
Other names: c.1066G>A, p.Ala356Thr (NM_001256442.2); c.*565G>A (NM_001256443.2); short protein forms A356T.
Identifiers: ClinVar variation 3359499 (VCV003359499.1).